The following is an entry in ClinVar:

ClinVar aggregate classification (germline): Pathogenic (1 of 4 stars; one submission).

Conditions:
Osteogenesis imperfecta type I (OI1). Also called: Lobstein disease; Classic Non-deforming Osteogenesis Imperfecta with Blue Sclerae; Lobstein's Disease; Osteogenesis imperfecta type 1; OI, TYPE I; OSTEOGENESIS IMPERFECTA TARDA. Identifiers: Orphanet 216796, Orphanet 666, MedGen C0023931, MONDO:0008146, OMIM 166200. Disease mechanism: loss of function.

Submission:

Labcorp Genetics (formerly Invitae), Labcorp
Classification: Pathogenic for Osteogenesis imperfecta type I. Last evaluated: 2022-07-06. Review status: criteria provided, single submitter. Criteria: Invitae Variant Classification Sherloc (09022015). Collection method: clinical testing. Allele origin: germline.
Comment: This premature translational stop signal has been observed in individual(s) with osteogenesis imperfecta (PMID: 31414283). For these reasons, this variant has been classified as Pathogenic. This variant is not present in population databases (gnomAD no frequency). This sequence change creates a premature translational stop signal (p.Val960Trpfs*148) in the COL1A1 gene. It is expected to result in an absent or disrupted protein product. Loss-of-function variants in COL1A1 are known to be pathogenic (PMID: 7942841, 9295084, 9443882).

Literature cited by the submitters: PubMed 31414283; PubMed 7942841; PubMed 9295084; PubMed 9443882.

NM_000088.4(COL1A1):c.2877del (p.Val960fs)

Gene: COL1A1 (collagen type I alpha 1 chain; minus strand). Cytogenetic location: 17q21.33.
Variant type: Deletion.
Coding change: c.2877del on transcript NM_000088.4 (MANE Select); coding-DNA position 2877, one base deleted (T; older notation c.2877delT).
Protein change: p.Val960fs; shifts the reading frame from valine 960.
Molecular consequence: frameshift variant.
Genome position (GRCh38, 1-based): chr17:50,189,228, A deleted on the plus strand (T on the coding strand, the reverse complement: COL1A1 is on the minus strand). VCF-style (leftmost placement, unchanged base first): chr17-50189227-CA-C. GRCh37 (hg19) VCF-style: chr17-48266588-CA-C.
Other names: short protein forms V960fs.
Identifiers: ClinVar variation 1918173 (VCV001918173.5), dbSNP rs2509182335, ClinGen allele CA2580094227.